The following is an entry in ClinVar:

NM_004519.4(KCNQ3):c.231G>A (p.Gly77=)

Gene: KCNQ3 (potassium voltage-gated channel subfamily Q member 3; minus strand). Cytogenetic location: 8q24.22.
Variant type: single nucleotide variant.
Coding change: c.231G>A on transcript NM_004519.4 (MANE Select); coding-DNA position 231, G replaced by A.
Protein change: p.Gly77=; no amino-acid change (glycine 77 retained).
Molecular consequence: synonymous variant.
Genome position (GRCh38, 1-based): chr8:132,480,302, C>T on the plus strand (G>A on the coding strand, the complement: KCNQ3 is on the minus strand). VCF-style: chr8-132480302-C-T. GRCh37 (hg19) VCF-style: chr8-133492549-C-T.
Identifiers: ClinVar variation 717797 (VCV000717797.37), dbSNP rs1195159317, ClinGen allele CA463218526.

ClinVar aggregate classification (germline): Conflicting classifications of pathogenicity. Review status: criteria provided, conflicting classifications (1 of 4 stars). 3 submissions from 3 submitters: Uncertain significance (1); Likely benign (2). Last evaluated 2022-11-01.

Conditions:
Benign neonatal seizures. Also called: Benign familial neonatal epilepsy; Benign familial neonatal seizures; Convulsions benign familial neonatal dominant form; Autosomal dominant form of benign neonatal seizures; Benign neonatal familial convulsions. Identifiers: Orphanet 1949, MedGen C0220669, MONDO:0016027.
Seizures, benign familial neonatal, 2. Also called: KCNQ3-Related Self-Limited Familial Neonatal Epilepsy (SLFNE); CONVULSIONS, BENIGN FAMILIAL NEONATAL, 2; Benign Neonatal Epilepsy 2; Seizures, benign neonatal, 2; KCNQ3-Related Benign Familial Neonatal Epilepsy. Identifiers: Orphanet 1949, MedGen C1852581, MONDO:0007366, OMIM 121201.

Allele frequency attached by ClinVar (database versions not stated): gnomAD below 0.00001 and 0.00001; gnomAD exomes below 0.00001.
gnomAD v4.1: 4 of 1,604,328 alleles (0.00025%); highest among the groups gnomAD compares: South Asian, 0.0033%; no homozygotes.

Submissions (3):

CeGaT Center for Human Genetics Tuebingen
Classification: Likely benign. Last evaluated: 2022-11-01. Review status: criteria provided, single submitter. Criteria: CeGaT Center For Human Genetics Tuebingen Variant Classification Criteria Version 2. Collection method: clinical testing. Allele origin: germline. Affected: yes. Observed: 1 variant allele.
Comment: KCNQ3: BP4, BP7

Labcorp Genetics (formerly Invitae), Labcorp
Classification: Likely benign for Benign neonatal seizures. Last evaluated: 2020-01-14. Review status: criteria provided, single submitter. Criteria: Invitae Variant Classification Sherloc (09022015). Collection method: clinical testing. Allele origin: germline.

Illumina Laboratory Services, Illumina
Classification: Uncertain significance for Seizures, benign familial neonatal, 2. Last evaluated: 2018-01-12. Review status: criteria provided, single submitter. Criteria: ICSL Variant Classification Criteria 13 December 2019. Collection method: clinical testing. Allele origin: germline.